The following is an entry in ClinVar:

ClinVar aggregate classification (germline): Pathogenic/Likely pathogenic. Review status: criteria provided, multiple submitters, no conflicts (2 of 4 stars). 2 submissions from 2 submitters: Pathogenic (1); Likely pathogenic (1). Last evaluated 2026-09-08.

Conditions:
Fabry disease. Also called: ANDERSON-FABRY DISEASE; CERAMIDE TRIHEXOSIDASE DEFICIENCY; GLA DEFICIENCY; HEREDITARY DYSTOPIC LIPIDOSIS; ALPHA-GALACTOSIDASE A DEFICIENCY; Ceramide trihexosidosis. Identifiers: Orphanet 324, MedGen C0002986, MONDO:0010526, OMIM 301500, HP:0001071. Disease mechanism: Fabry disease is due to inactivating mutations in the X-linked GLA gene resulting in deficiency of the enzyme Alpha Galactosidase-A., loss of function.

Submissions (2):

Genomenon, Inc
Classification: Pathogenic for Fabry disease. Last evaluated: 2026-09-08. Review status: criteria provided, single submitter. Criteria: Genomenon Sequence Variant Interpretation Standards - Updated. Collection method: curation. Allele origin: germline. Affected: yes.
Comment: GLA p.Pro293Leu (c.878C>T) is a missense variant that changes the amino acid at codon 293 from Proline to Leucine. This variant has been observed in at least one proband with clinical features consistent with Fabry disease (PMID:20022777;39766319;27560961;34215756). The variant was found to segregate with disease in at least one affected family (PMID:34215756). At least one functional study has demonstrated a substantial alteration in protein function relative to the wild-type (PMID:27657681). It is absent or not present at a significant frequency in gnomAD. In silico models predict that this variant is possibly or probably damaging. In conclusion, we classify GLA p.Pro293Leu (c.878C>T) as a pathogenic variant.

Precision Medicine Center, Zhengzhou University
Classification: Likely pathogenic for Fabry disease. Review status: criteria provided, single submitter. Criteria: ACMG Guidelines, 2015. Collection method: research. Allele origin: germline. Affected: yes.
Comment: PM1:Located in a mutational hot spot PM2:not found in gnomAD PP2:Missense variant in a gene that has a low rate of benign missense variation and in which missense variants are a common mechanism of disease PP3:Multiple lines of computational evidence support a deleterious effect on the gene or gene product PP4:Patient's phenotype is highly specific for a disease

Literature cited by the submitters: PubMed 20022777 (cited by Genomenon, Inc); PubMed 39766319 (cited by Genomenon, Inc); PubMed 27560961 (cited by Genomenon, Inc); PubMed 34215756 (cited by Genomenon, Inc); PubMed 27657681 (cited by Genomenon, Inc).

NM_000169.3(GLA):c.878C>T (p.Pro293Leu)

Genes: GLA (galactosidase alpha; minus strand), RPL36A-HNRNPH2 (RPL36A-HNRNPH2 readthrough; plus strand). Cytogenetic location: Xq22.1.
Variant type: single nucleotide variant.
Coding change: c.878C>T on transcript NM_000169.3 (MANE Select); coding-DNA position 878, C replaced by T.
Protein change: p.Pro293Leu; replaces proline 293 with leucine.
Molecular consequence: missense variant. On other transcripts: non-coding transcript variant (3), intron variant (2).
Genome position (GRCh38, 1-based): chrX:101,398,491, G>A on the plus strand (C>T on the coding strand, the complement: GLA is on the minus strand). VCF-style: chrX-101398491-G-A. GRCh37 (hg19) VCF-style: chrX-100653479-G-A.
Other names: c.1001C>T, p.Pro334Leu (NM_001406747.1); c.878C>T, p.Pro293Leu (NM_001406748.1); c.300+3034G>A (NM_001199973.2); c.177+6669G>A (NM_001199974.2); short protein forms P293L, P334L.
Identifiers: ClinVar variation 1077018 (VCV001077018.3), dbSNP rs869312441, ClinGen allele CA413922571.